The following is an entry in ClinVar:

ClinVar aggregate classification (germline): Uncertain significance (1 of 4 stars; one submission).

Conditions:
SLC35A2-congenital disorder of glycosylation. Also called: EPILEPTIC ENCEPHALOPATHY, EARLY INFANTILE, 22; CONGENITAL DISORDER OF GLYCOSYLATION, TYPE IIm; CDG IIm; CONGENITAL DISORDER OF GLYCOSYLATION, TYPE IIm, SOMATIC MOSAIC; SLC35A2-CDG; DEVELOPMENTAL AND EPILEPTIC ENCEPHALOPATHY 22. Identifiers: Orphanet 356961, MedGen C3806688, MONDO:0010478, OMIM 300896.

Submission:

Labcorp Genetics (formerly Invitae), Labcorp
Classification: Uncertain significance for SLC35A2-congenital disorder of glycosylation. Last evaluated: 2023-06-05. Review status: criteria provided, single submitter. Criteria: Invitae Variant Classification Sherloc (09022015). Collection method: clinical testing. Allele origin: germline.
Comment: In summary, the available evidence is currently insufficient to determine the role of this variant in disease. Therefore, it has been classified as a Variant of Uncertain Significance. Advanced modeling of protein sequence and biophysical properties (such as structural, functional, and spatial information, amino acid conservation, physicochemical variation, residue mobility, and thermodynamic stability) has been performed at Invitae for this missense variant, however the output from this modeling did not meet the statistical confidence thresholds required to predict the impact of this variant on SLC35A2 protein function. This variant has not been reported in the literature in individuals affected with SLC35A2-related conditions. This variant is not present in population databases (gnomAD no frequency). This sequence change replaces leucine, which is neutral and non-polar, with phenylalanine, which is neutral and non-polar, at codon 240 of the SLC35A2 protein (p.Leu240Phe).

NM_005660.3(SLC35A2):c.718C>T (p.Leu240Phe)

Gene: SLC35A2 (solute carrier family 35 member A2; minus strand). Cytogenetic location: Xp11.23.
Variant type: single nucleotide variant.
Coding change: c.718C>T on transcript NM_005660.3 (MANE Select); coding-DNA position 718, C replaced by T.
Protein change: p.Leu240Phe; replaces leucine 240 with phenylalanine.
Molecular consequence: missense variant. On other transcripts: intron variant (3).
Genome position (GRCh38, 1-based): chrX:48,905,191, G>A on the plus strand (C>T on the coding strand, the complement: SLC35A2 is on the minus strand). VCF-style: chrX-48905191-G-A. GRCh37 (hg19) VCF-style: chrX-48762468-G-A.
Other names: c.718C>T, p.Leu240Phe (NM_001042498.3); c.535C>T, p.Leu179Phe (NM_001282649.2); c.757C>T, p.Leu253Phe (NM_001282650.2); c.802C>T, p.Leu268Phe (NM_001282651.2); c.427-299C>T (NM_001282647.2, NM_001032289.3); c.355-299C>T (NM_001282648.2); short protein forms L179F, L268F, L240F, L253F.
Identifiers: ClinVar variation 2771448 (VCV002771448.3), dbSNP rs2063480866, ClinGen allele CA412895366.